The following is an entry in ClinVar:

ClinVar aggregate classification (germline): Benign. Review status: criteria provided, multiple submitters, no conflicts (2 of 4 stars). 2 submissions from 2 submitters: Benign (2). Last evaluated 2018-06-14.

Allele frequency attached by ClinVar (database versions not stated): 1000 Genomes Project 0.72085; 1000 Genomes Project 30x 0.72330; TOPMed 0.77353; gnomAD exomes 0.84016.

Submissions (2):

GeneDx
Classification: Benign. Last evaluated: 2018-06-14. Review status: criteria provided, single submitter. Criteria: GeneDx Variant Classification Process June 2021. Collection method: clinical testing. Allele origin: germline. Affected: yes.
Comment: This variant is associated with the following publications: (PMID: 25312269)

Breakthrough Genomics
Classification: Benign. Review status: criteria provided, single submitter. Criteria: ACMG Guidelines, 2015. Collection method: not provided. Allele origin: germline. Inheritance: Autosomal recessive inheritance. Affected: yes.

NM_006158.5(NEFL):c.*235A>T

Gene: NEFL (neurofilament light chain; minus strand). Cytogenetic location: 8p21.2.
Variant type: single nucleotide variant.
Coding change: c.*235A>T on transcript NM_006158.5 (MANE Select); 235 bases downstream of the stop codon, A replaced by T.
Molecular consequence: 3 prime UTR variant.
Genome position (GRCh38, 1-based): chr8:24,952,575, T>A on the plus strand (A>T on the coding strand, the complement: NEFL is on the minus strand). VCF-style: chr8-24952575-T-A. GRCh37 (hg19) VCF-style: chr8-24810088-T-A.
Identifiers: ClinVar variation 362641 (VCV000362641.7), dbSNP rs1059111, ClinGen allele CA10625252.
Genomic context (GRCh38, chr8:24,952,575, plus strand): 5'-TTTTTATTGTAAACATCTGAATGATTCACATTGCCGTAGATCCTGAACTCATAAGCGTGG[T>A]CCATGCACAGGCTGGCAGCAAGCCAGAAAGCCACTCTGCAAGCAAACAGATACTCTGCAT-3'